The following is an entry in ClinVar:

ClinVar aggregate classification (germline): Conflicting classifications of pathogenicity. Review status: criteria provided, conflicting classifications (1 of 4 stars). 2 submissions from 2 submitters: Likely pathogenic (1); Uncertain significance (1). Last evaluated 2025-12-18.

Conditions:
Retinal dystrophy. Also called: Inherited retinal dystrophy. Identifiers: Orphanet 71862, MedGen C0854723, MeSH D058499, MONDO:0019118, HP:0000556.

gnomAD v4.1: 2 of 1,580,600 alleles (0.00013%); highest among the groups gnomAD compares: South Asian, 0.0011%; no homozygotes.

Submissions (2):

Women's Health and Genetics/Laboratory Corporation of America, LabCorp
Classification: Uncertain significance. Last evaluated: 2025-12-18. Review status: criteria provided, single submitter. Criteria: LabCorp Variant Classification Summary - May 2015. Collection method: clinical testing. Allele origin: germline.
Comment: Variant summary: SPATA7 c.1028G>A (p.Arg343Lys) results in a conservative amino acid change in the encoded protein sequence. Algorithms developed to predict the effect of missense changes on protein structure and function are either unavailable or do not agree on the potential impact of this missense change. Several computational tools predict a significant impact on normal splicing: Two predict the variant abolishes a canonical 5' splicing donor site and one predicts the variant weakens this site. However, these predictions have yet to be confirmed by functional studies. The variant was absent in 250746 control chromosomes (gnomAD). c.1028G>A has been observed in an individual affected with early onset severe retinal dystrophy (Hull_2020). These data indicate that the variant may be associated with disease. To our knowledge, no experimental evidence demonstrating an impact on protein function has been reported. The following publication has been ascertained in the context of this evaluation (PMID: 32856788). ClinVar contains an entry for this variant (Variation ID: 3381775). Based on the evidence outlined above, the variant was classified as VUS-possibly pathogenic.

Ophthalmic Genetics Group, Institute of Molecular and Clinical Ophthalmology Basel
Classification: Likely pathogenic for Retinal dystrophy. Last evaluated: 2024-05-27. Review status: criteria provided, single submitter. Criteria: ACMG Guidelines, 2015. Collection method: research. Allele origin: germline. Affected: yes. Observed: 2 variant alleles.
Comment: This variant was classified as Likely pathogenic based on ACMG criteria: PM2_mod, PM3_sup, PP3_strong, and PP5_sup

Literature cited by the submitters: PubMed 32856788 (cited by Women's Health and Genetics/Laboratory Corporation of America, LabCorp and Ophthalmic Genetics Group, Institute of Molecular and Clinical Ophthalmology Basel); PubMed 40180963 (cited by Ophthalmic Genetics Group, Institute of Molecular and Clinical Ophthalmology Basel).

NM_018418.5(SPATA7):c.1028G>A (p.Arg343Lys)

Gene: SPATA7 (spermatogenesis associated 7; plus strand). Cytogenetic location: 14q31.3.
Variant type: single nucleotide variant.
Coding change: c.1028G>A on transcript NM_018418.5 (MANE Select); coding-DNA position 1028, G replaced by A.
Protein change: p.Arg343Lys; replaces arginine 343 with lysine.
Molecular consequence: missense variant.
Genome position (GRCh38, 1-based): chr14:88,429,463, G>A. VCF-style: chr14-88429463-G-A. GRCh37 (hg19) VCF-style: chr14-88895807-G-A.
Other names: NC_000014.8:g.88895807G>A; NP_060888.2:p.(Arg343Lys); c.932G>A, p.Arg311Lys (NM_001040428.4); short protein forms R311K, R343K.
Identifiers: ClinVar variation 3381775 (VCV003381775.3).